The following is an entry in ClinVar:

NM_018896.5(CACNA1G):c.5825C>T (p.Ser1942Phe)

Gene: CACNA1G (calcium voltage-gated channel subunit alpha1 G; plus strand). Cytogenetic location: 17q21.33.
Variant type: single nucleotide variant.
Coding change: c.5825C>T on transcript NM_018896.5 (MANE Select); coding-DNA position 5825, C replaced by T.
Protein change: p.Ser1942Phe; replaces serine 1942 with phenylalanine.
Molecular consequence: missense variant. On other transcripts: intron variant (20).
Genome position (GRCh38, 1-based): chr17:50,619,726, C>T. VCF-style: chr17-50619726-C-T. GRCh37 (hg19) VCF-style: chr17-48697087-C-T.
Other names: c.5771C>T, p.Ser1924Phe (NM_001256324.2); c.5690C>T, p.Ser1897Phe (NM_001256326.2); c.5792C>T, p.Ser1931Phe (NM_198377.3, NM_198380.3); c.5723C>T, p.Ser1908Phe (NM_198379.3, NM_198396.3); c.5825C>T, p.Ser1942Phe (NM_198385.3); c.5802+718C>T (NM_001256325.2); c.5748+718C>T (NM_198378.3, NM_001256334.2); c.5781+718C>T (NM_198384.3, NM_001256333.2); and 13 more; short protein forms S1897F, S1931F, S1942F, S1908F, S1924F.
Identifiers: ClinVar variation 3262766 (VCV003262766.2).

ClinVar aggregate classification (germline): Uncertain significance. Review status: criteria provided, multiple submitters, no conflicts (2 of 4 stars). 2 submissions from 2 submitters: Uncertain significance (2). Last evaluated 2024-09-04.

Conditions:
Inborn genetic diseases. Identifiers: MedGen C0950123, MeSH D030342.

gnomAD v4.1: 1 of 1,610,668 alleles (0.000062%); highest among the groups gnomAD compares: Admixed American, 0.0017%; no homozygotes.

Submissions (2):

GeneDx
Classification: Uncertain significance. Last evaluated: 2024-09-04. Review status: criteria provided, single submitter. Criteria: GeneDx Variant Classification Process June 2021. Collection method: clinical testing. Allele origin: germline. Affected: yes.
Comment: Not observed at significant frequency in large population cohorts (gnomAD); In silico analysis indicates that this missense variant does not alter protein structure/function; Has not been previously published as pathogenic or benign to our knowledge

Ambry Genetics
Classification: Uncertain significance for Inborn genetic diseases. Last evaluated: 2024-05-15. Review status: criteria provided, single submitter. Criteria: Ambry Variant Classification Scheme 2023. Collection method: clinical testing. Allele origin: germline.